The following is an entry in ClinVar:

NM_080425.4(GNAS):c.1438G>A (p.Ala480Thr)

Gene: GNAS (GNAS complex locus; plus strand). Cytogenetic location: 20q13.32.
Variant type: single nucleotide variant.
Coding change: c.1438G>A on transcript NM_080425.4 (MANE Plus Clinical); coding-DNA position 1438, G replaced by A.
Protein change: p.Ala480Thr; replaces alanine 480 with threonine.
Molecular consequence: missense variant. On other transcripts: synonymous variant (2), intron variant (3).
Genome position (GRCh38, 1-based): chr20:58,854,703, G>A. VCF-style: chr20-58854703-G-A. GRCh37 (hg19) VCF-style: chr20-57429758-G-A.
Other names: c.1251G>A, p.Leu417= (NM_001077490.3, NM_001309883.1); c.1438G>A, p.Ala480Thr (NM_001410913.1); c.*42+13817G>A (NM_016592.5); c.43+13817G>A (NM_001410912.1); c.-39+12828G>A (NM_001309861.2); short protein forms A480T.
Identifiers: ClinVar variation 4996627 (VCV004996627.1).

ClinVar aggregate classification (germline): Uncertain significance (1 of 4 stars; one submission).

Conditions:
GNAS-related disorder. Identifiers: MedGen CN380105.

Submission:

PreventionGenetics, part of Exact Sciences
Classification: Uncertain significance for GNAS-related condition. Last evaluated: 2026-05-09. Review status: criteria provided, single submitter. Criteria: ACMG Guidelines, 2015. Collection method: clinical testing. Allele origin: germline.
Comment: The GNAS c.1438G>A variant is predicted to result in the amino acid substitution p.Ala480Thr. To our knowledge, this variant has not been reported in the literature or in a large population database (gnomAD), indicating this variant is rare. At this time, the clinical significance of this variant is uncertain due to the absence of conclusive functional and genetic evidence.